The following is an entry in ClinVar:

NM_004408.4(DNM1):c.2566G>A (p.Glu856Lys)

Gene: DNM1 (dynamin 1; plus strand). Cytogenetic location: 9q34.11.
Variant type: single nucleotide variant.
Coding change: c.2566G>A on transcript NM_004408.4 (MANE Select); coding-DNA position 2566, G replaced by A.
Protein change: p.Glu856Lys; replaces glutamic acid 856 with lysine.
Molecular consequence: missense variant. On other transcripts: 3 prime UTR variant (4).
Genome position (GRCh38, 1-based): chr9:128,254,685, G>A. VCF-style: chr9-128254685-G-A. GRCh37 (hg19) VCF-style: chr9-131016964-G-A.
Other names: c.*47G>A (NM_001005336.3, NM_001288737.2); c.*692G>A (NM_001288738.2); c.2566G>A, p.Glu856Lys (NM_001288739.2); c.*607G>A (NM_001374269.1); short protein forms E856K.
Identifiers: ClinVar variation 2915638 (VCV002915638.3), dbSNP rs746258924, ClinGen allele CA5258498.

ClinVar aggregate classification (germline): Uncertain significance (1 of 4 stars; one submission).

Conditions:
Developmental and epileptic encephalopathy, 31A. Also called: Developmental and epileptic encephalopathy, 31; Epileptic encephalopathy, early infantile, 31. Identifiers: Orphanet 2382, MedGen C4225357, MONDO:0014598, OMIM 616346.

Allele frequency attached by ClinVar (database versions not stated): gnomAD exomes 0.00002; ExAC 0.00001; gnomAD 0.00001.
gnomAD v4.1: 28 of 1,596,106 alleles (0.0018%); highest among the groups gnomAD compares: African/African-American, 0.0027%; no homozygotes.

Submission:

Labcorp Genetics (formerly Invitae), Labcorp
Classification: Uncertain significance for Developmental and epileptic encephalopathy, 31A. Last evaluated: 2025-10-01. Review status: criteria provided, single submitter. Criteria: Invitae Variant Classification Sherloc (09022015). Collection method: clinical testing. Allele origin: germline.
Comment: This sequence change replaces glutamic acid, which is acidic and polar, with lysine, which is basic and polar, at codon 856 of the DNM1 protein (p.Glu856Lys). This variant is present in population databases (rs746258924, gnomAD 0.009%). This variant has not been reported in the literature in individuals affected with DNM1-related conditions. ClinVar contains an entry for this variant (Variation ID: 2915638). Invitae Evidence Modeling of protein sequence and biophysical properties (such as structural, functional, and spatial information, amino acid conservation, physicochemical variation, residue mobility, and thermodynamic stability) indicates that this missense variant is not expected to disrupt DNM1 protein function with a negative predictive value of 95%. In summary, the available evidence is currently insufficient to determine the role of this variant in disease. Therefore, it has been classified as a Variant of Uncertain Significance.